The following is an entry in ClinVar:

NM_002230.4(JUP):c.196C>T (p.Pro66Ser)

Gene: JUP (junction plakoglobin; minus strand). Cytogenetic location: 17q21.2.
Variant type: single nucleotide variant.
Coding change: c.196C>T on transcript NM_002230.4 (MANE Select); coding-DNA position 196, C replaced by T.
Protein change: p.Pro66Ser; replaces proline 66 with serine.
Molecular consequence: missense variant.
Genome position (GRCh38, 1-based): chr17:41,771,659, G>A on the plus strand (C>T on the coding strand, the complement: JUP is on the minus strand). VCF-style: chr17-41771659-G-A. GRCh37 (hg19) VCF-style: chr17-39927911-G-A.
Other names: c.196C>T, p.Pro66Ser (NM_001352773.2, NM_001352774.2, NM_001352775.2 and 3 more transcripts); short protein forms P66S.
Identifiers: ClinVar variation 2165353 (VCV002165353.5), dbSNP rs1555606922, ClinGen allele CA399506570.

ClinVar aggregate classification (germline): Conflicting classifications of pathogenicity. Review status: criteria provided, conflicting classifications (1 of 4 stars). 2 submissions from 2 submitters: Uncertain significance (1); Likely benign (1). Last evaluated 2025-10-29.

Conditions:
Naxos disease (NXD). Also called: PALMOPLANTAR KERATODERMA WITH ARRHYTHMOGENIC RIGHT VENTRICULAR CARDIOMYOPATHY AND WOOLLY HAIR; WOOLLY HAIR, PALMOPLANTAR KERATODERMA, AND CARDIAC ABNORMALITIES; KERATOSIS PALMOPLANTARIS WITH ARRHYTHMOGENIC CARDIOMYOPATHY; MAL DE NAXOS; CARDIOMYOPATHY, ARRHYTHMOGENIC RIGHT VENTRICULAR, WITH SKIN, HAIR, AND NAIL ABNORMALITIES. Identifiers: Orphanet 34217, MedGen C1832600, MONDO:0011017, OMIM 601214.
Arrhythmogenic right ventricular dysplasia 12. Also called: ARRHYTHMOGENIC RIGHT VENTRICULAR DYSPLASIA, FAMILIAL, 12. Identifiers: MedGen C1969081, MONDO:0012684, OMIM 611528.
Cardiovascular phenotype. Identifiers: MedGen CN230736.

Allele frequency attached by ClinVar (database versions not stated): gnomAD exomes 0.00001.
gnomAD v4.1: 17 of 1,613,238 alleles (0.0011%); highest among the groups gnomAD compares: East Asian, 0.0022%; no homozygotes.

Submissions (2):

Labcorp Genetics (formerly Invitae), Labcorp
Classification: Uncertain significance for Arrhythmogenic right ventricular dysplasia 12; Naxos disease. Last evaluated: 2025-10-29. Review status: criteria provided, single submitter. Criteria: Invitae Variant Classification Sherloc (09022015). Collection method: clinical testing. Allele origin: germline.
Comment: This sequence change replaces proline, which is neutral and non-polar, with serine, which is neutral and polar, at codon 66 of the JUP protein (p.Pro66Ser). This variant is present in population databases (no rsID available, gnomAD 0.002%). This variant has not been reported in the literature in individuals affected with JUP-related conditions. ClinVar contains an entry for this variant (Variation ID: 2165353). An algorithm developed to predict the effect of missense changes on protein structure and function outputs the following: PolyPhen-2: "Benign". The serine amino acid residue is found in multiple mammalian species, which suggests that this missense change does not adversely affect protein function. In summary, the available evidence is currently insufficient to determine the role of this variant in disease. Therefore, it has been classified as a Variant of Uncertain Significance.

Ambry Genetics
Classification: Likely benign for Cardiovascular phenotype. Last evaluated: 2024-08-16. Review status: criteria provided, single submitter. Criteria: Ambry Variant Classification Scheme 2023. Collection method: clinical testing. Allele origin: germline.